The following is an entry in ClinVar:

ClinVar aggregate classification (germline): Uncertain significance (1 of 4 stars; one submission).

Conditions:
EGFR-related lung cancer (EGFR). Identifiers: MedGen CN130014.

Submission:

Labcorp Genetics (formerly Invitae), Labcorp
Classification: Uncertain significance for EGFR-related lung cancer. Last evaluated: 2024-06-23. Review status: criteria provided, single submitter. Criteria: Invitae Variant Classification Sherloc (09022015). Collection method: clinical testing. Allele origin: germline.
Comment: This sequence change falls in intron 13 of the EGFR gene. It does not directly change the encoded amino acid sequence of the EGFR protein. This variant is not present in population databases (gnomAD no frequency). This variant has not been reported in the literature in individuals affected with EGFR-related conditions. Algorithms developed to predict the effect of sequence changes on RNA splicing suggest that this variant may disrupt the consensus splice site. In summary, the available evidence is currently insufficient to determine the role of this variant in disease. Therefore, it has been classified as a Variant of Uncertain Significance.

NM_005228.5(EGFR):c.1632-13T>C

Gene: EGFR (epidermal growth factor receptor; plus strand). Cytogenetic location: 7p11.2.
Variant type: single nucleotide variant.
Coding change: c.1632-13T>C on transcript NM_005228.5 (MANE Select); 13 bases into the intron before coding-DNA position 1632, T replaced by C.
Molecular consequence: intron variant.
Genome position (GRCh38, 1-based): chr7:55,163,720, T>C. VCF-style: chr7-55163720-T-C. GRCh37 (hg19) VCF-style: chr7-55231413-T-C.
Other names: c.1497-13T>C (NM_001346899.2, NM_001346897.2); c.831-13T>C (NM_001346941.2); c.1632-13T>C (NM_001346898.2, NM_201284.2, NM_201282.2); c.1473-13T>C (NM_001346900.2).
Identifiers: ClinVar variation 3657510 (VCV003657510.2).